The following is an entry in ClinVar:

NM_018076.5(ODAD2):c.220G>A (p.Val74Ile)

Genes: ODAD2 (outer dynein arm docking complex subunit 2; minus strand), LOC126860891 (CDK7 strongly-dependent group 2 enhancer GRCh37_chr10:28283413-28284612; plus strand). Cytogenetic location: 10p12.1.
Variant type: single nucleotide variant.
Coding change: c.220G>A on transcript NM_018076.5 (MANE Select); coding-DNA position 220, G replaced by A.
Protein change: p.Val74Ile; replaces valine 74 with isoleucine.
Molecular consequence: missense variant.
Genome position (GRCh38, 1-based): chr10:27,994,923, C>T on the plus strand (G>A on the coding strand, the complement: ODAD2 is on the minus strand). VCF-style: chr10-27994923-C-T. GRCh37 (hg19) VCF-style: chr10-28283852-C-T.
Other names: c.220G>A, p.Val74Ile (NM_001290020.2); short protein forms V74I.
Identifiers: ClinVar variation 1044414 (VCV001044414.6), dbSNP rs777599580, ClinGen allele CA5453886.

ClinVar aggregate classification (germline): Uncertain significance (1 of 4 stars; one submission).

Conditions:
Primary ciliary dyskinesia 23 (CILD23). Also called: CILIARY DYSKINESIA, PRIMARY, 23, WITH OR WITHOUT SITUS INVERSUS. Identifiers: Orphanet 244, MedGen C3809548, MONDO:0014193, OMIM 615451.

Allele frequency attached by ClinVar (database versions not stated): ExAC 0.00001; gnomAD exomes 0.00001; TOPMed 0.00002.
gnomAD v4.1: 3 of 1,614,094 alleles (0.00019%); highest among the groups gnomAD compares: Admixed American, 0.005%; no homozygotes.

Submission:

Labcorp Genetics (formerly Invitae), Labcorp
Classification: Uncertain significance for Primary ciliary dyskinesia 23. Last evaluated: 2021-08-30. Review status: criteria provided, single submitter. Criteria: Invitae Variant Classification Sherloc (09022015). Collection method: clinical testing. Allele origin: germline.
Comment: This sequence change replaces valine with isoleucine at codon 74 of the ARMC4 protein (p.Val74Ile). The valine residue is weakly conserved and there is a small physicochemical difference between valine and isoleucine. This variant is present in population databases (rs777599580, ExAC 0.009%). This variant has not been reported in the literature in individuals affected with ARMC4-related conditions. Algorithms developed to predict the effect of missense changes on protein structure and function output the following: SIFT: "Tolerated"; PolyPhen-2: "Benign"; Align-GVGD: "Class C0". The isoleucine amino acid residue is found in multiple mammalian species, which suggests that this missense change does not adversely affect protein function. In summary, the available evidence is currently insufficient to determine the role of this variant in disease. Therefore, it has been classified as a Variant of Uncertain Significance.